The following is an entry in ClinVar:

NM_000051.4(ATM):c.4769del (p.Leu1590fs)

Gene: ATM (ATM serine/threonine kinase; plus strand). Cytogenetic location: 11q22.3.
Variant type: Deletion.
Coding change: c.4769del on transcript NM_000051.4 (MANE Select); coding-DNA position 4769, one base deleted (T; older notation c.4769delT).
Protein change: p.Leu1590fs; shifts the reading frame from leucine 1590.
Molecular consequence: frameshift variant.
Genome position (GRCh38, 1-based): chr11:108,293,470, T deleted. VCF-style (leftmost placement, unchanged base first): chr11-108293469-CT-C. GRCh37 (hg19) VCF-style: chr11-108164196-CT-C.
Other names: c.4769del, p.Leu1590fs (NM_001351834.2); short protein forms L1590fs.
Identifiers: ClinVar variation 3027335 (VCV003027335.22), dbSNP rs2546932598, ClinGen allele CA2740093203.

ClinVar aggregate classification (germline): Pathogenic (1 of 4 stars; one submission).

Submission:

CeGaT Center for Human Genetics Tuebingen
Classification: Pathogenic. Last evaluated: 2026-04-01. Review status: criteria provided, single submitter. Criteria: CeGaT Center For Human Genetics Tuebingen Variant Classification Criteria Version 2. Collection method: clinical testing. Allele origin: germline. Affected: yes. Observed: 2 variant alleles.
Comment: ATM: PVS1, PM2